The following is an entry in ClinVar:

NM_001844.5(COL2A1):c.728G>T (p.Gly243Val)

Gene: COL2A1 (collagen type II alpha 1 chain; minus strand). Cytogenetic location: 12q13.11.
Variant type: single nucleotide variant.
Coding change: c.728G>T on transcript NM_001844.5 (MANE Select); coding-DNA position 728, G replaced by T.
Protein change: p.Gly243Val; replaces glycine 243 with valine.
Molecular consequence: missense variant.
Genome position (GRCh38, 1-based): chr12:47,995,289, C>A on the plus strand (G>T on the coding strand, the complement: COL2A1 is on the minus strand). VCF-style: chr12-47995289-C-A. GRCh37 (hg19) VCF-style: chr12-48389072-C-A.
Other names: c.521G>T, p.Gly174Val (NM_033150.3); short protein forms G243V, G174V.
Identifiers: ClinVar variation 1523774 (VCV001523774.7), dbSNP rs2136616399, ClinGen allele CA384523337.
Genomic context (GRCh38, chr12:47,995,289, plus strand): 5'-TCATTTGTCTACTCGTGTATACTCACATCATCACCAGGCTTTCCAGGGGGACCAGGAGGA[C>A]CACGGGGACCCATGGGACCCTACAAACAAAGGAAGATAGTTTAAGAGATGGTTATAGTGG-3'
Protein context (NP_001835.3, residues 233-253): PGVSGPMGPR[Gly243Val]PPGPPGKPGD

ClinVar aggregate classification (germline): Likely pathogenic. Review status: criteria provided, single submitter (1 of 4 stars). 2 submissions from 2 submitters: Likely pathogenic (1). 1 of the submissions does not count toward it. Last evaluated 2024-11-18.

Conditions:
COL2A1-related disorder. Also called: COL2A1-related condition; COL2A1-related disorders.

Submissions (2):

Labcorp Genetics (formerly Invitae), Labcorp
Classification: Likely pathogenic. Last evaluated: 2024-11-18. Review status: criteria provided, single submitter. Criteria: Invitae Variant Classification Sherloc (09022015). Collection method: clinical testing. Allele origin: germline.
Comment: This sequence change replaces glycine, which is neutral and non-polar, with valine, which is neutral and non-polar, at codon 243 of the COL2A1 protein (p.Gly243Val). This variant is not present in population databases (gnomAD no frequency). This variant has not been reported in the literature in individuals affected with COL2A1-related conditions. ClinVar contains an entry for this variant (Variation ID: 1523774). Invitae Evidence Modeling of protein sequence and biophysical properties (such as structural, functional, and spatial information, amino acid conservation, physicochemical variation, residue mobility, and thermodynamic stability) indicates that this missense variant is expected to disrupt COL2A1 protein function with a positive predictive value of 95%. This variant disrupts the triple helix domain of COL2A1. Glycine residues within the Gly-Xaa-Yaa repeats of the triple helix domain are required for the structure and stability of fibrillar collagens (PMID: 7695699, 8218237, 19344236). In COL2A1, variants affecting these glycine residues are significantly enriched in individuals with disease (PMID: 9016532, 17078022) compared to the general population (ExAC). In summary, the currently available evidence indicates that the variant is pathogenic, but additional data are needed to prove that conclusively. Therefore, this variant has been classified as Likely Pathogenic.

Molecular Genetics Laboratory, BC Children's and BC Women's Hospitals
Classification: Likely pathogenic for COL2A1-related condition. Last evaluated: 2025-08-15. Review status: no assertion criteria provided. Criteria: ACMG Guidelines, 2015. Collection method: clinical testing. Allele origin: de novo. Affected: yes. Not counted in ClinVar's aggregate classification.

Literature cited by the submitters: PubMed 7695699 (cited by Labcorp Genetics (formerly Invitae), Labcorp); PubMed 8218237 (cited by Labcorp Genetics (formerly Invitae), Labcorp); PubMed 19344236 (cited by Labcorp Genetics (formerly Invitae), Labcorp); PubMed 9016532 (cited by Labcorp Genetics (formerly Invitae), Labcorp); PubMed 17078022 (cited by Labcorp Genetics (formerly Invitae), Labcorp).